The following is an entry in ClinVar:

NM_000051.4(ATM):c.469T>G (p.Cys157Gly)

Gene: ATM (ATM serine/threonine kinase; plus strand). Cytogenetic location: 11q22.3.
Variant type: single nucleotide variant.
Coding change: c.469T>G on transcript NM_000051.4 (MANE Select); coding-DNA position 469, T replaced by G.
Protein change: p.Cys157Gly; replaces cysteine 157 with glycine.
Molecular consequence: missense variant.
Genome position (GRCh38, 1-based): chr11:108,235,807, T>G. VCF-style: chr11-108235807-T-G. GRCh37 (hg19) VCF-style: chr11-108106534-T-G.
Other names: c.469T>G, p.Cys157Gly (NM_001351834.2); short protein forms C157G.
Identifiers: ClinVar variation 478997 (VCV000478997.16), dbSNP rs1248850168, ClinGen allele CA382525522.
Genomic context (GRCh38, chr11:108,235,807, plus strand): 5'-TACGGAGCTGATTGTAGCAACATACTACTCAAAGACATTCTTTCTGTGAGAAAATACTGG[T>G]GTGAAATATCTCAGCAACAGTGGTTAGGTATGTTTTGAAGGTTGTTGTTTGTGAATTTTT-3'
Protein context (NP_000042.3, residues 147-167): KDILSVRKYW[Cys157Gly]EISQQQWLEL

ClinVar aggregate classification (germline): Uncertain significance. Review status: criteria provided, multiple submitters, no conflicts (2 of 4 stars). 3 submissions from 3 submitters: Uncertain significance (3). Last evaluated 2024-11-06.

Conditions:
Hereditary cancer-predisposing syndrome. Also called: Tumor predisposition; Neoplastic Syndromes, Hereditary; Hereditary Cancer Syndrome; Hereditary neoplastic syndrome. Identifiers: Orphanet 140162, MedGen C0027672, MeSH D009386, MONDO:0015356.
Ataxia-telangiectasia syndrome (AT). Also called: Cerebello-oculocutaneous telangiectasia; Immunodeficiency with ataxia telangiectasia; ATAXIA-TELANGIECTASIA, COMPLEMENTATION GROUP A; Ataxia-telangiectasia, complementation group D; AT, COMPLEMENTATION GROUP C; ATAXIA-TELANGIECTASIA, FRESNO VARIANT. Identifiers: Orphanet 100, MedGen C0004135, MONDO:0008840, OMIM 208900.

Allele frequency attached by ClinVar (database versions not stated): gnomAD 0.00001 and 0.00003.
gnomAD v4.1: 1 of 1,613,722 alleles (0.000062%); highest among the groups gnomAD compares: Non-Finnish European, 0.000085%; no homozygotes.

Submissions (3):

Labcorp Genetics (formerly Invitae), Labcorp
Classification: Uncertain significance for Ataxia-telangiectasia syndrome. Last evaluated: 2024-11-06. Review status: criteria provided, single submitter. Criteria: Invitae Variant Classification Sherloc (09022015). Collection method: clinical testing. Allele origin: germline.
Comment: This sequence change replaces cysteine, which is neutral and slightly polar, with glycine, which is neutral and non-polar, at codon 157 of the ATM protein (p.Cys157Gly). This variant is present in population databases (no rsID available, gnomAD 0.007%). This variant has not been reported in the literature in individuals affected with ATM-related conditions. ClinVar contains an entry for this variant (Variation ID: 478997). Invitae Evidence Modeling of protein sequence and biophysical properties (such as structural, functional, and spatial information, amino acid conservation, physicochemical variation, residue mobility, and thermodynamic stability) indicates that this missense variant is not expected to disrupt ATM protein function with a negative predictive value of 95%. In summary, the available evidence is currently insufficient to determine the role of this variant in disease. Therefore, it has been classified as a Variant of Uncertain Significance.

Ambry Genetics
Classification: Uncertain significance for Hereditary cancer-predisposing syndrome. Last evaluated: 2024-06-11. Review status: criteria provided, single submitter. Criteria: Ambry Variant Classification Scheme 2023. Collection method: clinical testing. Allele origin: germline.
Comment: The p.C157G variant (also known as c.469T>G), located in coding exon 4 of the ATM gene, results from a T to G substitution at nucleotide position 469. The cysteine at codon 157 is replaced by glycine, an amino acid with highly dissimilar properties. This amino acid position is highly conserved in available vertebrate species. In addition, this alteration is predicted to be deleterious by in silico analysis. Based on the available evidence, the clinical significance of this variant remains unclear.

GeneDx
Classification: Uncertain significance. Last evaluated: 2022-06-12. Review status: criteria provided, single submitter. Criteria: GeneDx Variant Classification Process June 2021. Collection method: clinical testing. Allele origin: germline. Affected: yes.
Comment: Not observed at significant frequency in large population cohorts (gnomAD); In silico analysis supports that this missense variant has a deleterious effect on protein structure/function; Has not been previously published as pathogenic or benign to our knowledge